The following is an entry in ClinVar:

NM_000537.4(REN):c.374-13G>A

Gene: REN (renin; minus strand). Cytogenetic location: 1q32.1.
Variant type: single nucleotide variant.
Coding change: c.374-13G>A on transcript NM_000537.4 (MANE Select); 13 bases into the intron before coding-DNA position 374, G replaced by A.
Molecular consequence: intron variant.
Genome position (GRCh38, 1-based): chr1:204,160,691, C>T on the plus strand (G>A on the coding strand, the complement: REN is on the minus strand). VCF-style: chr1-204160691-C-T. GRCh37 (hg19) VCF-style: chr1-204129819-C-T.
Identifiers: ClinVar variation 294962 (VCV000294962.6), dbSNP rs201387583, ClinGen allele CA1344953.

ClinVar aggregate classification (germline): Conflicting classifications of pathogenicity. Review status: criteria provided, conflicting classifications (1 of 4 stars). 3 submissions from 2 submitters: Uncertain significance (1); Benign (2). Last evaluated 2025-02-23.

Conditions:
Renal tubular dysgenesis. Also called: Renotubular dysgenesis. Identifiers: Orphanet 3033, MedGen C0266313, MONDO:0017609, HP:0008660.
Familial juvenile hyperuricemic nephropathy type 2 (ADTKD4). Also called: EARLY-ONSET HYPERURICEMIA, ANEMIA, AND PROGRESSIVE KIDNEY FAILURE; Autosomal Dominant Tubulointerstitial Kidney Disease – REN. Identifiers: Orphanet 217330, MedGen C2751310, MONDO:0013128, OMIM 613092.

Allele frequency attached by ClinVar (database versions not stated): gnomAD exomes 0.00007 and 0.00014; TOPMed 0.00009; gnomAD 0.00010; ExAC 0.00013; ESP Exome Variant Server 0.00023.
gnomAD v4.1: 116 of 1,596,906 alleles (0.0073%); highest among the groups gnomAD compares: Non-Finnish European, 0.00094%; no homozygotes.

Submissions (3):

Labcorp Genetics (formerly Invitae), Labcorp
Classification: Benign. Last evaluated: 2025-02-23. Review status: criteria provided, single submitter. Criteria: Invitae Variant Classification Sherloc (09022015). Collection method: clinical testing. Allele origin: germline.

Illumina Laboratory Services, Illumina
Classification: Benign for Familial juvenile hyperuricemic nephropathy type 2. Last evaluated: 2018-01-12. Review status: criteria provided, single submitter. Criteria: ICSL Variant Classification Criteria 13 December 2019. Collection method: clinical testing. Allele origin: germline.
Comment: This variant was observed in the ICSL laboratory as part of a predisposition screen in an ostensibly healthy population. It had not been previously curated by ICSL or reported in the Human Gene Mutation Database (HGMD: prior to June 1st, 2018), and was therefore a candidate for classification through an automated scoring system. Utilizing variant allele frequency, disease prevalence and penetrance estimates, and inheritance mode, an automated score was calculated to assess if this variant is too frequent to cause the disease. Based on the score and internal cut-off values, a variant classified as benign is not then subjected to further curation. The score for this variant resulted in a classification of benign for this disease.

Illumina Laboratory Services, Illumina
Classification: Uncertain significance for Renal tubular dysgenesis of genetic origin. Last evaluated: 2018-01-12. Review status: criteria provided, single submitter. Criteria: ICSL Variant Classification Criteria 13 December 2019. Collection method: clinical testing. Allele origin: germline.